The following is an entry in ClinVar:

ClinVar aggregate classification (germline): Conflicting classifications of pathogenicity. Review status: criteria provided, conflicting classifications (1 of 4 stars). 2 submissions from 2 submitters: Uncertain significance (1); Likely benign (1). Last evaluated 2023-03-23.

Conditions:
Hereditary breast ovarian cancer syndrome. Also called: Hereditary breast and ovarian cancer syndrome (HBOC); Hereditary breast and ovarian cancer syndrome; Breast and ovarian cancer; Hereditary breast and/or ovarian cancer syndrome; Hereditary breast and ovarian cancer; BRCA1- and BRCA2-Associated Hereditary Breast and Ovarian Cancer. Identifiers: Orphanet 145, MedGen C0677776, MeSH D061325, MONDO:0003582. Disease mechanism: loss of function.
Hereditary cancer-predisposing syndrome. Also called: Neoplastic Syndromes, Hereditary; Hereditary Cancer Syndrome; Hereditary neoplastic syndrome; Tumor predisposition. Identifiers: Orphanet 140162, MedGen C0027672, MeSH D009386, MONDO:0015356.

Submissions (2):

University of Washington Department of Laboratory Medicine, University of Washington
Classification: Likely benign for Hereditary cancer-predisposing syndrome. Last evaluated: 2023-03-23. Review status: criteria provided, single submitter. Criteria: Dines et al. (Genet Med. 2020). Collection method: curation. Allele origin: germline.
Comment: Missense variant in a coldspot region where missense variants are very unlikely to be pathogenic (PMID:31911673).

BRCA2 exon 11 coldspot. Reclassification based on statistical prior probability.

Labcorp Genetics (formerly Invitae), Labcorp
Classification: Uncertain significance for Hereditary breast ovarian cancer syndrome. Last evaluated: 2017-07-18. Review status: criteria provided, single submitter. Criteria: Invitae Variant Classification Sherloc (09022015). Collection method: clinical testing. Allele origin: germline.
Comment: This sequence change replaces isoleucine with serine at codon 1034 of the BRCA2 protein (p.Ile1034Ser). The isoleucine residue is moderately conserved and there is a large physicochemical difference between isoleucine and serine. This variant is not present in population databases (ExAC no frequency). This variant has not been reported in the literature in individuals with BRCA2-related disease. Algorithms developed to predict the effect of missense changes on protein structure and function do not agree on the potential impact of this missense change (SIFT: "Tolerated"; PolyPhen-2: "Probably Damaging"; Align-GVGD: "Class C0"). In summary, the available evidence is currently insufficient to determine the role of this variant in disease. Therefore, it has been classified as a Variant of Uncertain Significance.

NM_000059.4(BRCA2):c.3101T>G (p.Ile1034Ser)

Gene: BRCA2 (BRCA2 DNA repair associated; plus strand). Cytogenetic location: 13q13.1.
Variant type: single nucleotide variant.
Coding change: c.3101T>G on transcript NM_000059.4 (MANE Select); coding-DNA position 3101, T replaced by G.
Protein change: p.Ile1034Ser; replaces isoleucine 1034 with serine.
Molecular consequence: missense variant.
Genome position (GRCh38, 1-based): chr13:32,337,456, T>G. VCF-style: chr13-32337456-T-G. GRCh37 (hg19) VCF-style: chr13-32911593-T-G.
Other names: short protein forms I1034S.
Identifiers: ClinVar variation 462285 (VCV000462285.10), dbSNP rs545974734, ClinGen allele CA387775331.
Genomic context (GRCh38, chr13:32,337,456, plus strand): 5'-ATAAGGAAATCAAGCTCTCTGAACATAACATTAAGAAGAGCAAAATGTTCTTCAAAGATA[T>G]TGAAGAACAATATCCTACTAGTTTAGCTTGTGTTGAAATTGTAAATACCTTGGCATTAGA-3'
Protein context (NP_000050.3, residues 1024-1044): IKKSKMFFKD[Ile1034Ser]EEQYPTSLAC